The following is an entry in ClinVar:

ClinVar aggregate classification (germline): Pathogenic (1 of 4 stars; one submission).

Conditions:
Neuronal ceroid lipofuscinosis 1 (CLN1). Also called: CEROID LIPOFUSCINOSIS, NEURONAL, 1, VARIABLE AGE AT ONSET; PPT1-Related Neuronal Ceroid-Lipofuscinosis. Identifiers: Orphanet 228329, MedGen C1850451, MONDO:0009744, OMIM 256730.

Submission:

Labcorp Genetics (formerly Invitae), Labcorp
Classification: Pathogenic for Neuronal ceroid lipofuscinosis 1. Last evaluated: 2023-07-07. Review status: criteria provided, single submitter. Criteria: Invitae Variant Classification Sherloc (09022015). Collection method: clinical testing. Allele origin: germline.
Comment: This variant is not present in population databases (gnomAD no frequency). This sequence change creates a premature translational stop signal (p.Phe147Trpfs*14) in the PPT1 gene. It is expected to result in an absent or disrupted protein product. Loss-of-function variants in PPT1 are known to be pathogenic (PMID: 10679943, 21990111). This variant has not been reported in the literature in individuals affected with PPT1-related conditions. For these reasons, this variant has been classified as Pathogenic. ClinVar contains an entry for this variant (Variation ID: 2110798).

Literature cited by the submitters: PubMed 10679943; PubMed 21990111.

NM_000310.4(PPT1):c.440_441del (p.Phe147fs)

Gene: PPT1 (palmitoyl-protein thioesterase 1; minus strand). Cytogenetic location: 1p34.2.
Variant type: Deletion.
Coding change: c.440_441del on transcript NM_000310.4 (MANE Select); coding-DNA positions 440 to 441, 2 bases deleted (TT; older notation c.440_441delTT).
Protein change: p.Phe147fs; shifts the reading frame from phenylalanine 147.
Molecular consequence: frameshift variant.
Genome position (GRCh38, 1-based): chr1:40,089,505-40,089,506, AA deleted on the plus strand (TT on the coding strand, the reverse complement: PPT1 is on the minus strand); deleting any 2 consecutive bases within chr1:40,089,505-40,089,509 gives the same sequence; the c. name uses the placement nearest the transcript's 3' end. VCF-style (leftmost placement, unchanged base first): chr1-40089504-CAA-C. GRCh37 (hg19) VCF-style: chr1-40555176-CAA-C.
Other names: c.131_132del, p.Phe44fs (NM_001142604.2); c.440_441del, p.Phe147fs (NM_001363695.2); short protein forms F147fs, F44fs.
Identifiers: ClinVar variation 2110798 (VCV002110798.4), dbSNP rs2523675796, ClinGen allele CA2580062722.